The following is an entry in ClinVar:

ClinVar aggregate classification (germline): Likely pathogenic (1 of 4 stars; one submission).

Conditions:
Polyglandular autoimmune syndrome, type 1 (APS1). Also called: Autoimmune polyendocrinopathy syndrome, type I; Autoimmune polyendocrinopathy syndrome , type I, with or without reversible metaphyseal dysplasia; PGA I; HYPOADRENOCORTICISM WITH HYPOPARATHYROIDISM AND SUPERFICIAL MONILIASIS; Autoimmune polyendocrine syndrome type 1; AUTOIMMUNE POLYENDOCRINE SYNDROME, TYPE I, WITH OR WITHOUT REVERSIBLE METAPHYSEAL DYSPLASIA. Identifiers: Orphanet 3453, MedGen C0085859, MONDO:0009411, OMIM 240300.

Allele frequency attached by ClinVar (database versions not stated): TOPMed below 0.00001; gnomAD 0.00001; gnomAD exomes 0.00002.
gnomAD v4.1: 31 of 1,612,864 alleles (0.0019%); highest among the groups gnomAD compares: Non-Finnish European, 0.0025%; no homozygotes.

Submission:

Labcorp Genetics (formerly Invitae), Labcorp
Classification: Likely pathogenic for Polyglandular autoimmune syndrome, type 1. Last evaluated: 2025-10-17. Review status: criteria provided, single submitter. Criteria: Invitae Variant Classification Sherloc (09022015). Collection method: clinical testing. Allele origin: germline.
Comment: This sequence change replaces arginine, which is basic and polar, with glutamine, which is neutral and polar, at codon 92 of the AIRE protein (p.Arg92Gln). This variant is not present in population databases (gnomAD no frequency). This variant has not been reported in the literature in individuals affected with AIRE-related conditions. ClinVar contains an entry for this variant (Variation ID: 1345367). Invitae Evidence Modeling of protein sequence and biophysical properties (such as structural, functional, and spatial information, amino acid conservation, physicochemical variation, residue mobility, and thermodynamic stability) has been performed for this missense variant. However, the output from this modeling did not meet the statistical confidence thresholds required to predict the impact of this variant on AIRE protein function. This variant disrupts the p.Arg92 amino acid residue in AIRE. Other variant(s) that disrupt this residue have been determined to be pathogenic (PMID: 18426830, 32767280). This suggests that this residue is clinically significant, and that variants that disrupt this residue are likely to be disease-causing. In summary, the currently available evidence indicates that the variant is pathogenic, but additional data are needed to prove that conclusively. Therefore, this variant has been classified as Likely Pathogenic.

Literature cited by the submitters: PubMed 18426830; PubMed 32767280.

NM_000383.4(AIRE):c.275G>A (p.Arg92Gln)

Gene: AIRE (autoimmune regulator; plus strand). Cytogenetic location: 21q22.3.
Variant type: single nucleotide variant.
Coding change: c.275G>A on transcript NM_000383.4 (MANE Select); coding-DNA position 275, G replaced by A.
Protein change: p.Arg92Gln; replaces arginine 92 with glutamine.
Molecular consequence: missense variant.
Genome position (GRCh38, 1-based): chr21:44,286,699, G>A. VCF-style: chr21-44286699-G-A. GRCh37 (hg19) VCF-style: chr21-45706582-G-A.
Other names: short protein forms R92Q.
Identifiers: ClinVar variation 1345367 (VCV001345367.6), dbSNP rs1288735234, ClinGen allele CA410423495.